The following is an entry in ClinVar:

ClinVar aggregate classification (germline): Pathogenic (1 of 4 stars; one submission).

Conditions:
Factor H deficiency (CFHD). Also called: COMPLEMENT FACTOR H DEFICIENCY; CFH DEFICIENCY. Identifiers: Orphanet 200421, MedGen C0398777, MONDO:0012350, OMIM 609814.

gnomAD v4.1: 1 of 1,611,360 alleles (0.000062%); highest among the groups gnomAD compares: Non-Finnish European, 0.000085%; no homozygotes.

Submission:

Genomenon, Inc
Classification: Pathogenic for Factor H deficiency. Last evaluated: 2026-09-17. Review status: criteria provided, single submitter. Criteria: Genomenon Sequence Variant Interpretation Standards - Updated. Collection method: curation. Allele origin: germline. Affected: yes.
Comment: CFH p.Tyr235Ter (c.705T>A) is a nonsense variant that introduces a premature stop codon at amino acid position 235 and is predicted to result in a truncated or absent protein product. This variant has been observed in at least one proband affected with complement factor H deficiency (PMID: 30077216). It is absent or not present at a significant frequency in gnomAD. In conclusion, we classify CFH p.Tyr235Ter (c.705T>A) as a pathogenic variant.

Literature cited by the submitters: PubMed 30077216.

NM_000186.4(CFH):c.705T>A (p.Tyr235Ter)

Gene: CFH (complement factor H; plus strand). Cytogenetic location: 1q31.3.
Variant type: single nucleotide variant.
Coding change: c.705T>A on transcript NM_000186.4 (MANE Select); coding-DNA position 705, T replaced by A.
Protein change: p.Tyr235Ter; replaces tyrosine 235 with a stop codon.
Molecular consequence: nonsense.
Genome position (GRCh38, 1-based): chr1:196,679,708, T>A. VCF-style: chr1-196679708-T-A. GRCh37 (hg19) VCF-style: chr1-196648838-T-A.
Other names: c.705T>A, p.Tyr235Ter (NM_001014975.3); short protein forms Y235*.
Identifiers: ClinVar variation 4291321 (VCV004291321.2).